The following is an entry in ClinVar:

ClinVar aggregate classification (germline): Likely benign (1 of 4 stars; one submission).

Conditions:
Papillary renal cell carcinoma type 1 (RCCP1). Also called: Renal adenocarcinoma; Renal cell carcinoma 1; Renal cell carcinoma, somatic; RENAL CELL CARCINOMA, PAPILLARY, 1, SOMATIC. Identifiers: Orphanet 47044, MedGen C1336839, OMIM 605074, HP:0011797.

gnomAD v4.1: 1 of 1,611,740 alleles (0.000062%); highest among the groups gnomAD compares: African/African-American, 0.0013%; no homozygotes.

Submission:

Myriad Genetics, Inc.
Classification: Likely benign for Papillary renal cell carcinoma type 1. Last evaluated: 2024-11-11. Review status: criteria provided, single submitter. Criteria: Myriad Autosomal Dominant, Autosomal Recessive and X-Linked Classification Criteria (2023). Collection method: clinical testing. Allele origin: unknown.
Comment: This variant is considered likely benign. This variant is intronic and is not expected to impact mRNA splicing.

NM_000245.4(MET):c.2364+7C>G

Gene: MET (MET proto-oncogene, receptor tyrosine kinase; plus strand). Cytogenetic location: 7q31.2.
Variant type: single nucleotide variant.
Coding change: c.2364+7C>G on transcript NM_000245.4 (MANE Select); 7 bases into the intron after coding-DNA position 2364, C replaced by G.
Molecular consequence: intron variant.
Genome position (GRCh38, 1-based): chr7:116,759,497, C>G. VCF-style: chr7-116759497-C-G. GRCh37 (hg19) VCF-style: chr7-116399551-C-G.
Other names: c.2418+7C>G (NM_001127500.3); c.1074+7C>G (NM_001324402.2); c.2364+7C>G (NM_001324401.3).
Identifiers: ClinVar variation 3773072 (VCV003773072.1).